The following is an entry in ClinVar:

NM_175057.4(TAAR9):c.111C>T (p.Ala37=)

Gene: TAAR9 (trace amine associated receptor 9; plus strand). Cytogenetic location: 6q23.2.
Variant type: single nucleotide variant.
Coding change: c.111C>T on transcript NM_175057.4 (MANE Select); coding-DNA position 111, C replaced by T.
Protein change: p.Ala37=; no amino-acid change (alanine 37 retained).
Molecular consequence: synonymous variant.
Genome position (GRCh38, 1-based): chr6:132,538,400, C>T. VCF-style: chr6-132538400-C-T. GRCh37 (hg19) VCF-style: chr6-132859539-C-T.
Identifiers: ClinVar variation 2656913 (VCV002656913.24), dbSNP rs374883560, ClinGen allele CA4003901.

ClinVar aggregate classification (germline): Likely benign (1 of 4 stars; one submission).

Allele frequency attached by ClinVar (database versions not stated): 1000 Genomes Project 0.00020; TOPMed 0.00023; gnomAD 0.00029; 1000 Genomes Project 30x 0.00031; ExAC 0.00032; ESP Exome Variant Server 0.00032.
gnomAD v4.1: 451 of 1,613,740 alleles (0.028%); highest among the groups gnomAD compares: Non-Finnish European, 0.034%; no homozygotes.

Submission:

CeGaT Center for Human Genetics Tuebingen
Classification: Likely benign. Last evaluated: 2022-10-01. Review status: criteria provided, single submitter. Criteria: CeGaT Center For Human Genetics Tuebingen Variant Classification Criteria Version 2. Collection method: clinical testing. Allele origin: germline. Affected: yes. Observed: 1 variant allele.
Comment: TAAR9: BP4, BP7